The following is an entry in ClinVar:

ClinVar aggregate classification (germline): Uncertain significance (1 of 4 stars; one submission).

Submission:

Labcorp Genetics (formerly Invitae), Labcorp
Classification: Uncertain significance. Last evaluated: 2022-10-19. Review status: criteria provided, single submitter. Criteria: Invitae Variant Classification Sherloc (09022015). Collection method: clinical testing. Allele origin: germline.
Comment: In summary, the available evidence is currently insufficient to determine the role of this variant in disease. Therefore, it has been classified as a Variant of Uncertain Significance. Advanced modeling of protein sequence and biophysical properties (such as structural, functional, and spatial information, amino acid conservation, physicochemical variation, residue mobility, and thermodynamic stability) performed at Invitae indicates that this missense variant is not expected to disrupt PPP2CA protein function. This variant has not been reported in the literature in individuals affected with PPP2CA-related conditions. This variant is not present in population databases (gnomAD no frequency). This sequence change replaces glutamic acid, which is acidic and polar, with glycine, which is neutral and non-polar, at codon 109 of the PPP2CA protein (p.Glu109Gly).

NM_002715.4(PPP2CA):c.326A>G (p.Glu109Gly)

Gene: PPP2CA (protein phosphatase 2 catalytic subunit alpha; minus strand). Cytogenetic location: 5q31.1.
Variant type: single nucleotide variant.
Coding change: c.326A>G on transcript NM_002715.4 (MANE Select); coding-DNA position 326, A replaced by G.
Protein change: p.Glu109Gly; replaces glutamic acid 109 with glycine.
Molecular consequence: missense variant. On other transcripts: non-coding transcript variant (1).
Genome position (GRCh38, 1-based): chr5:134,202,008, T>C on the plus strand (A>G on the coding strand, the complement: PPP2CA is on the minus strand). VCF-style: chr5-134202008-T-C. GRCh37 (hg19) VCF-style: chr5-133537699-T-C.
Other names: c.131A>G, p.Glu44Gly (NM_001355019.2); short protein forms E44G, E109G.
Identifiers: ClinVar variation 2036178 (VCV002036178.4), dbSNP rs2481051435, ClinGen allele CA360993265.
Genomic context (GRCh38, chr5:134,202,008, plus strand): 5'-AAACCATAAACTTGTGTGATCTGTCTGCTCTCATGATTCCCTCGAAGAATGGTGATGCGT[T>C]CACGGTAACGAACCTAAAACAATAAAATGCAAAACATAAACAACTAGCTCTTTCAAAAAC-3'
Protein context (NP_002706.1, residues 99-119): LLVALKVRYR[Glu109Gly]RITILRGNHE